The following is an entry in ClinVar:

NM_000261.2(MYOC):c.1340C>T (p.Ala447Val)

Gene: MYOC (myocilin; minus strand). Cytogenetic location: 1q24.3.
Variant type: single nucleotide variant.
Coding change: c.1340C>T on transcript NM_000261.2 (MANE Select); coding-DNA position 1340, C replaced by T.
Protein change: p.Ala447Val; replaces alanine 447 with valine.
Molecular consequence: missense variant.
Genome position (GRCh38, 1-based): chr1:171,636,100, G>A on the plus strand (C>T on the coding strand, the complement: MYOC is on the minus strand). VCF-style: chr1-171636100-G-A. GRCh37 (hg19) VCF-style: chr1-171605240-G-A.
Other names: NM_000261.2:c.1340C>T; short protein forms A447V.
Identifiers: ClinVar variation 2498106 (VCV002498106.2), dbSNP rs756961599, ClinGen allele CA1244037.

ClinVar aggregate classification (germline): Uncertain significance (3 of 4 stars; one submission).

Conditions:
Open-angle glaucoma. Identifiers: MedGen C0017612, MONDO:0005338, HP:0012108.

Allele frequency attached by ClinVar (database versions not stated): gnomAD exomes 0.00001; ExAC 0.00002.
gnomAD v4.1: 4 of 1,614,184 alleles (0.00025%); highest among the groups gnomAD compares: Non-Finnish European, 0.00034%; no homozygotes.

Submission:

ClinGen Glaucoma Variant Curation Expert Panel
Classification: Uncertain significance for Open-angle glaucoma. Last evaluated: 2026-02-04. Review status: reviewed by expert panel. Criteria: ClinGen Glaucoma ACMG Specifications V2.0.0 Approved. Collection method: curation. Allele origin: germline. Inheritance: Autosomal dominant inheritance.
Comment: The c.1340C>T variant in MYOC is a missense variant predicted to cause substitution of Alanine by Valine at amino acid 447 (p.Ala447Val). The highest minor allele frequency of this variant was in the European (non-Finnish) genetic ancestry group of gnomAD (v4.1.0) = 0.00000339 (4 alleles out of 1,180,044), which met the ≤ 0.0001 threshold set for PM2_Supporting in a genetic ancestry group of at least 10,000 alleles. The REVEL score = 0.508, which was neither above nor below the thresholds for PP3 (≥ 0.644) or BP4 (≤ 0.290), predicting a damaging or benign impact on MYOC function. There was no functional evidence predicting a damaging or benign impact of this variant on MYOC function. Only 1 proband with congenital glaucoma had been reported (PMID: 21815720), not meeting the ≥ 2 probands, with juvenile or primary open angle glaucoma, threshold required to meet PS4_Supporting. In summary, this variant met the criteria to receive a score of 1 and to be classified as a variant of uncertain significance (uncertain significance classification range -1 to 5, adapted from PMID: 32720330) for primary open angle glaucoma based on the ACMG/AMP criteria met, as specified by the ClinGen Glaucoma VCEP (v2.0.0, 5 Dec 2024): PM2_Supporting